The following is an entry in ClinVar:

ClinVar aggregate classification (germline): Pathogenic (1 of 4 stars; one submission).

Submission:

Labcorp Genetics (formerly Invitae), Labcorp
Classification: Pathogenic. Last evaluated: 2024-10-14. Review status: criteria provided, single submitter. Criteria: Invitae Variant Classification Sherloc (09022015). Collection method: clinical testing. Allele origin: germline.
Comment: This sequence change creates a premature translational stop signal (p.Gly503Glnfs*66) in the COL4A2 gene. It is expected to result in an absent or disrupted protein product. Loss-of-function variants in COL4A2 are known to be pathogenic (PMID: 22333902, 30315939). This variant is present in population databases (rs769841712, gnomAD 0.004%). This variant has not been reported in the literature in individuals affected with COL4A2-related conditions. For these reasons, this variant has been classified as Pathogenic.

Literature cited by the submitters: PubMed 22333902; PubMed 30315939.

NM_001846.4(COL4A2):c.1507_1513del (p.Gly503fs)

Genes: COL4A2 (collagen type IV alpha 2 chain; plus strand), COL4A2-AS2 (COL4A2 antisense RNA 2; minus strand). Cytogenetic location: 13q34.
Variant type: Deletion.
Coding change: c.1507_1513del on transcript NM_001846.4 (MANE Select); coding-DNA positions 1507 to 1513, 7 bases deleted (GGCTTCG; older notation c.1507_1513delGGCTTCG).
Protein change: p.Gly503fs; shifts the reading frame from glycine 503.
Molecular consequence: frameshift variant.
Genome position (GRCh38, 1-based): chr13:110,458,845-110,458,851, GGCTTCG deleted; deleting any 7 consecutive bases within chr13:110,458,844-110,458,851 gives the same sequence; the c. name uses the placement nearest the transcript's 3' end. VCF-style (leftmost placement, unchanged base first): chr13-110458843-AGGGCTTC-A. GRCh37 (hg19) VCF-style: chr13-111111190-AGGGCTTC-A.
Other names: short protein forms G503fs.
Identifiers: ClinVar variation 2847390 (VCV002847390.3), dbSNP rs769841712, ClinGen allele CA7049610.